The following is an entry in ClinVar:

ClinVar aggregate classification (germline): Uncertain significance (1 of 4 stars; one submission).

Submission:

Labcorp Genetics (formerly Invitae), Labcorp
Classification: Uncertain significance. Last evaluated: 2022-06-20. Review status: criteria provided, single submitter. Criteria: Invitae Variant Classification Sherloc (09022015). Collection method: clinical testing. Allele origin: germline.
Comment: In summary, the available evidence is currently insufficient to determine the role of this variant in disease. Therefore, it has been classified as a Variant of Uncertain Significance. Algorithms developed to predict the effect of missense changes on protein structure and function are either unavailable or do not agree on the potential impact of this missense change (SIFT: "Deleterious"; PolyPhen-2: "Probably Damaging"; Align-GVGD: "Class C0"). ClinVar contains an entry for this variant (Variation ID: 1022274). This variant has not been reported in the literature in individuals affected with PDE6B-related conditions. This variant is not present in population databases (gnomAD no frequency). This sequence change replaces arginine, which is basic and polar, with leucine, which is neutral and non-polar, at codon 100 of the PDE6B protein (p.Arg100Leu).

NM_000283.4(PDE6B):c.299G>T (p.Arg100Leu)

Gene: PDE6B (phosphodiesterase 6B; plus strand). Cytogenetic location: 4p16.3.
Variant type: single nucleotide variant.
Coding change: c.299G>T on transcript NM_000283.4 (MANE Select); coding-DNA position 299, G replaced by T.
Protein change: p.Arg100Leu; replaces arginine 100 with leucine.
Molecular consequence: missense variant.
Genome position (GRCh38, 1-based): chr4:625,925, G>T. VCF-style: chr4-625925-G-T. GRCh37 (hg19) VCF-style: chr4-619714-G-T.
Other names: c.299G>T, p.Arg100Leu (NM_001145291.2); short protein forms R100L.
Identifiers: ClinVar variation 1022274 (VCV001022274.8), dbSNP rs555600300, ClinGen allele CA355906734.